The following is an entry in ClinVar:

NM_032119.4(ADGRV1):c.684T>C (p.Asn228=)

Gene: ADGRV1 (adhesion G protein-coupled receptor V1; plus strand). Cytogenetic location: 5q14.3.
Variant type: single nucleotide variant.
Coding change: c.684T>C on transcript NM_032119.4 (MANE Select); coding-DNA position 684, T replaced by C.
Protein change: p.Asn228=; no amino-acid change (asparagine 228 retained).
Molecular consequence: synonymous variant. On other transcripts: non-coding transcript variant (1).
Genome position (GRCh38, 1-based): chr5:90,627,222, T>C. VCF-style: chr5-90627222-T-C. GRCh37 (hg19) VCF-style: chr5-89923039-T-C.
Identifiers: ClinVar variation 287336 (VCV000287336.17), dbSNP rs181889432, ClinGen allele CA3338545.

ClinVar aggregate classification (germline): Conflicting classifications of pathogenicity. Review status: criteria provided, conflicting classifications (1 of 4 stars). 5 submissions from 5 submitters: Uncertain significance (1); Likely benign (4). Last evaluated 2026-01-27.

Conditions:
ADGRV1-related disorder. Also called: ADGRV1-related condition; ADGRV1-related disorders.

Allele frequency attached by ClinVar (database versions not stated): 1000 Genomes Project 0.00060; 1000 Genomes Project 30x 0.00062; gnomAD exomes 0.00005 and 0.00015; ExAC 0.00029; ESP Exome Variant Server 0.00043; gnomAD 0.00049 and 0.00051; TOPMed 0.00055.
gnomAD v4.1: 156 of 1,525,050 alleles (0.01%); highest among the groups gnomAD compares: African/African-American, 0.17%; no homozygotes.

Submissions (5):

Labcorp Genetics (formerly Invitae), Labcorp
Classification: Likely benign. Last evaluated: 2026-01-27. Review status: criteria provided, single submitter. Criteria: Invitae Variant Classification Sherloc (09022015). Collection method: clinical testing. Allele origin: germline.

PreventionGenetics, part of Exact Sciences
Classification: Likely benign for ADGRV1-related condition. Last evaluated: 2024-10-11. Review status: criteria provided, single submitter. Criteria: ACMG Guidelines, 2015. Collection method: clinical testing. Allele origin: germline.
Comment: This variant is classified as likely benign based on ACMG/AMP sequence variant interpretation guidelines (Richards et al. 2015 PMID: 25741868, with internal and published modifications).

Blueprint Genetics
Classification: Likely benign. Last evaluated: 2022-05-31. Review status: criteria provided, single submitter. Criteria: ACMG Guidelines, 2015. Collection method: clinical testing. Allele origin: germline.

GeneDx
Classification: Likely benign. Last evaluated: 2020-11-20. Review status: criteria provided, single submitter. Criteria: GeneDx Variant Classification Process June 2021. Collection method: clinical testing. Allele origin: germline. Affected: yes.

Eurofins Ntd Llc (ga)
Classification: Uncertain significance. Last evaluated: 2016-05-24. Review status: criteria provided, single submitter. Criteria: EGL Classification Definitions 2015. Collection method: clinical testing. Allele origin: germline. Observed: 2 variant alleles, 2 heterozygotes.